The following is an entry in ClinVar:

NM_000093.5(COL5A1):c.3248C>G (p.Pro1083Arg)

Gene: COL5A1 (collagen type V alpha 1 chain; plus strand). Cytogenetic location: 9q34.3.
Variant type: single nucleotide variant.
Coding change: c.3248C>G on transcript NM_000093.5 (MANE Select); coding-DNA position 3248, C replaced by G.
Protein change: p.Pro1083Arg; replaces proline 1083 with arginine.
Molecular consequence: missense variant.
Genome position (GRCh38, 1-based): chr9:134,805,204, C>G. VCF-style: chr9-134805204-C-G. GRCh37 (hg19) VCF-style: chr9-137697050-C-G.
Other names: c.3248C>G, p.Pro1083Arg (NM_001278074.1); short protein forms P1083R.
Identifiers: ClinVar variation 4774454 (VCV004774454.1).

ClinVar aggregate classification (germline): Uncertain significance (1 of 4 stars; one submission).

Conditions:
Ehlers-Danlos syndrome, classic type, 1 (EDSCL1). Also called: EHLERS-DANLOS SYNDROME, GRAVIS TYPE; EHLERS-DANLOS SYNDROME, SEVERE CLASSIC TYPE; Ehlers-Danlos syndrome, type 1; Ehlers-Danlos Syndrome, Classic Type, COL5A1-Related; EDS I. Identifiers: MedGen C0268335, MONDO:0019567, OMIM 130000.

Submission:

Labcorp Genetics (formerly Invitae), Labcorp
Classification: Uncertain significance for Ehlers-Danlos syndrome, classic type, 1. Last evaluated: 2025-06-24. Review status: criteria provided, single submitter. Criteria: Invitae Variant Classification Sherloc (09022015). Collection method: clinical testing. Allele origin: germline.
Comment: This sequence change replaces proline, which is neutral and non-polar, with arginine, which is basic and polar, at codon 1083 of the COL5A1 protein (p.Pro1083Arg). This variant is not present in population databases (gnomAD no frequency). This variant has not been reported in the literature in individuals affected with COL5A1-related conditions. Invitae Evidence Modeling of protein sequence and biophysical properties (such as structural, functional, and spatial information, amino acid conservation, physicochemical variation, residue mobility, and thermodynamic stability) indicates that this missense variant is not expected to disrupt COL5A1 protein function with a negative predictive value of 80%. In summary, the available evidence is currently insufficient to determine the role of this variant in disease. Therefore, it has been classified as a Variant of Uncertain Significance.